The following is an entry in ClinVar:

ClinVar aggregate classification (germline): Uncertain significance (1 of 4 stars; one submission).

gnomAD v4.1: 4 of 1,613,570 alleles (0.00025%); highest among the groups gnomAD compares: Non-Finnish European, 0.00025%; no homozygotes.

Submission:

GeneDx
Classification: Uncertain significance. Last evaluated: 2025-06-29. Review status: criteria provided, single submitter. Criteria: GeneDx Variant Classification Process June 2021. Collection method: clinical testing. Allele origin: germline. Affected: yes.
Comment: Not observed at significant frequency in large population cohorts (gnomAD); In silico analysis supports that this missense variant has a deleterious effect on protein structure/function; Has not been previously published as pathogenic or benign to our knowledge

NM_144498.4(OSBPL2):c.1199C>T (p.Thr400Met)

Gene: OSBPL2 (oxysterol binding protein like 2; plus strand). Cytogenetic location: 20q13.33.
Variant type: single nucleotide variant.
Coding change: c.1199C>T on transcript NM_144498.4 (MANE Select); coding-DNA position 1199, C replaced by T.
Protein change: p.Thr400Met; replaces threonine 400 with methionine.
Molecular consequence: missense variant. On other transcripts: intron variant (1).
Genome position (GRCh38, 1-based): chr20:62,289,280, C>T. VCF-style: chr20-62289280-C-T. GRCh37 (hg19) VCF-style: chr20-60864336-C-T.
Other names: c.923C>T, p.Thr308Met (NM_001363878.2); c.1163C>T, p.Thr388Met (NM_014835.5); c.850-2423C>T (NM_001278649.3); short protein forms T308M, T388M, T400M.
Identifiers: ClinVar variation 4540114 (VCV004540114.1).